The following is an entry in ClinVar:

NM_000426.4(LAMA2):c.5285G>A (p.Arg1762Gln)

Gene: LAMA2 (laminin subunit alpha 2; plus strand). Cytogenetic location: 6q22.33.
Variant type: single nucleotide variant.
Coding change: c.5285G>A on transcript NM_000426.4 (MANE Select); coding-DNA position 5285, G replaced by A.
Protein change: p.Arg1762Gln; replaces arginine 1762 with glutamine.
Molecular consequence: missense variant.
Genome position (GRCh38, 1-based): chr6:129,393,095, G>A. VCF-style: chr6-129393095-G-A. GRCh37 (hg19) VCF-style: chr6-129714240-G-A.
Other names: c.5285G>A, p.Arg1762Gln (NM_001079823.2); short protein forms R1762Q.
Identifiers: ClinVar variation 643233 (VCV000643233.32), dbSNP rs138296015, ClinGen allele CA3993835.

ClinVar aggregate classification (germline): Uncertain significance. Review status: criteria provided, multiple submitters, no conflicts (2 of 4 stars). 5 submissions from 5 submitters: Uncertain significance (5). Last evaluated 2024-04-26.

Conditions:
Inborn genetic diseases. Identifiers: MedGen C0950123, MeSH D030342.
Merosin deficient congenital muscular dystrophy (MDC1A). Also called: Congenital merosin-deficient muscular dystrophy 1A; Congenital Muscular Dystrophy Type 1A (MDC1A). Identifiers: Orphanet 258, MedGen C1263858, MONDO:0011925, OMIM 607855.
LAMA2-related muscular dystrophy (LAMA2-RD). Also called: Laminin alpha 2-related dystrophy. Identifiers: MedGen C5679788, MONDO:0100228.

Allele frequency attached by ClinVar (database versions not stated): ExAC 0.00001; gnomAD exomes 0.00001; TOPMed 0.00002.
gnomAD v4.1: 41 of 1,613,592 alleles (0.0025%); highest among the groups gnomAD compares: Middle Eastern, 0.017%; no homozygotes.

Submissions (5):

Ambry Genetics
Classification: Uncertain significance for Inborn genetic diseases. Last evaluated: 2024-04-26. Review status: criteria provided, single submitter. Criteria: Ambry Variant Classification Scheme 2023. Collection method: clinical testing. Allele origin: germline.

CeGaT Center for Human Genetics Tuebingen
Classification: Uncertain significance. Last evaluated: 2023-07-01. Review status: criteria provided, single submitter. Criteria: CeGaT Center For Human Genetics Tuebingen Variant Classification Criteria Version 2. Collection method: clinical testing. Allele origin: germline. Affected: yes. Observed: 1 variant allele.
Comment: LAMA2: PM2, BP4

Labcorp Genetics (formerly Invitae), Labcorp
Classification: Uncertain significance for LAMA2-related muscular dystrophy. Last evaluated: 2022-08-15. Review status: criteria provided, single submitter. Criteria: Invitae Variant Classification Sherloc (09022015). Collection method: clinical testing. Allele origin: germline.
Comment: This sequence change replaces arginine, which is basic and polar, with glutamine, which is neutral and polar, at codon 1762 of the LAMA2 protein (p.Arg1762Gln). This variant is present in population databases (rs138296015, gnomAD 0.003%). This variant has not been reported in the literature in individuals affected with LAMA2-related conditions. ClinVar contains an entry for this variant (Variation ID: 643233). Advanced modeling of protein sequence and biophysical properties (such as structural, functional, and spatial information, amino acid conservation, physicochemical variation, residue mobility, and thermodynamic stability) performed at Invitae indicates that this missense variant is not expected to disrupt LAMA2 protein function. In summary, the available evidence is currently insufficient to determine the role of this variant in disease. Therefore, it has been classified as a Variant of Uncertain Significance.

Blueprint Genetics
Classification: Uncertain significance. Last evaluated: 2021-12-02. Review status: criteria provided, single submitter. Criteria: ACMG Guidelines, 2015. Collection method: clinical testing. Allele origin: germline.

Baylor Genetics
Classification: Uncertain significance for Merosin deficient congenital muscular dystrophy. Last evaluated: 2020-06-19. Review status: criteria provided, single submitter. Criteria: ACMG Guidelines, 2015. Collection method: clinical testing. Allele origin: unknown. Affected: yes.
Comment: This variant was determined to be of uncertain significance according to ACMG Guidelines, 2015 [PMID:25741868].